The following is an entry in ClinVar:

NM_000540.3(RYR1):c.2583_2586delinsGCT (p.Pro863fs)

Gene: RYR1 (ryanodine receptor 1; plus strand). Cytogenetic location: 19q13.2.
Variant type: Indel.
Coding change: c.2583_2586delinsGCT on transcript NM_000540.3 (MANE Select); coding-DNA positions 2583 to 2586, CCTG replaced by GCT.
Protein change: p.Pro863fs; shifts the reading frame from proline 863.
Molecular consequence: frameshift variant.
Genome position (GRCh38, 1-based): chr19:38,463,428-38,463,431, CCTG replaced by GCT. VCF-style: chr19-38463428-CCTG-GCT. GRCh37 (hg19) VCF-style: chr19-38954068-CCTG-GCT.
Other names: c.2583_2586delCCTGinsGCT (NM_000540.2); c.2583_2586delinsGCT, p.Pro863fs (NM_001042723.2); short protein forms P863fs.
Identifiers: ClinVar variation 504294 (VCV000504294.2), dbSNP rs1555772199, ClinGen allele CA658799213.

ClinVar aggregate classification (germline): Pathogenic (1 of 4 stars; one submission).

Submission:

GeneDx
Classification: Pathogenic. Last evaluated: 2018-02-09. Review status: criteria provided, single submitter. Criteria: GeneDx Variant Classification (06012015). Collection method: clinical testing. Allele origin: germline. Affected: yes.
Comment: The c.2583_2586delCCTGinsGCT variant in the RYR1 gene has not been reported previously as a pathogenic variant nor as a benign variant, to our knowledge. The c.2583_2586delCCTGinsGCT variant causes a frameshift starting with codon Proline 863, changes this amino acid to an Arginine residue, and creates a premature Stop codon at position 21 of the new reading frame, denoted p.Pro863ArgfsX21. This variant is predicted to cause loss of normal protein function either through protein truncation or nonsense-mediated mRNA decay. The c.2583_2586delCCTGinsGCT variant is not observed in large population cohorts (Lek et al., 2016). We interpret c.2583_2586delCCTGinsGCT as a pathogenic variant.